The following is an entry in ClinVar:

NM_000350.3(ABCA4):c.688T>A (p.Cys230Ser)

Gene: ABCA4 (ATP binding cassette subfamily A member 4; minus strand). Cytogenetic location: 1p22.1.
Variant type: single nucleotide variant.
Coding change: c.688T>A on transcript NM_000350.3 (MANE Select); coding-DNA position 688, T replaced by A.
Protein change: p.Cys230Ser; replaces cysteine 230 with serine.
Molecular consequence: missense variant.
Genome position (GRCh38, 1-based): chr1:94,098,874, A>T on the plus strand (T>A on the coding strand, the complement: ABCA4 is on the minus strand). VCF-style: chr1-94098874-A-T. GRCh37 (hg19) VCF-style: chr1-94564430-A-T.
Other names: c.688T>A, p.Cys230Ser (NM_001425324.1); short protein forms C230S.
Identifiers: ClinVar variation 373916 (VCV000373916.10), dbSNP rs1057518767, ClinGen allele CA16043373.

ClinVar aggregate classification (germline): Pathogenic. Review status: criteria provided, multiple submitters, no conflicts (2 of 4 stars). 4 submissions from 3 submitters: Pathogenic (3). 1 of the submissions does not count toward it. Last evaluated 2023-12-28.

Conditions:
ABCA4-related disorder. Also called: ABCA4-related disorders; ABCA4-related condition. Identifiers: MedGen CN239167.
Age related macular degeneration 2. Also called: MACULAR DEGENERATION, SENILE; MACULOPATHY, AGE-RELATED, 2; MACULOPATHY, AGE-RELATED. Identifiers: MedGen C3495438, MONDO:0007932, OMIM 153800.
Macular degeneration. Also called: Degenerative disorder of macula. Identifiers: MedGen C0024437, MONDO:0003004, HP:0000608.
Central scotoma. Identifiers: MedGen C0152191, HP:0000603.
Visual impairment. Also called: Impaired vision; vision problems. Identifiers: MedGen C3665347, HP:0000505.
Retinal atrophy. Identifiers: MedGen C0521694, HP:0001105.

Submissions (4):

Labcorp Genetics (formerly Invitae), Labcorp
Classification: Pathogenic. Last evaluated: 2023-12-28. Review status: criteria provided, single submitter. Criteria: Invitae Variant Classification Sherloc (09022015). Collection method: clinical testing. Allele origin: germline.
Comment: This sequence change replaces cysteine, which is neutral and slightly polar, with serine, which is neutral and polar, at codon 230 of the ABCA4 protein (p.Cys230Ser). This variant is not present in population databases (gnomAD no frequency). This missense change has been observed in individual(s) with Stargardt disease (PMID: 10958763, 11702214, 15192030; Invitae). In at least one individual the data is consistent with being in trans (on the opposite chromosome) from a pathogenic variant. ClinVar contains an entry for this variant (Variation ID: 373916). Advanced modeling of protein sequence and biophysical properties (such as structural, functional, and spatial information, amino acid conservation, physicochemical variation, residue mobility, and thermodynamic stability) performed at Invitae indicates that this missense variant is expected to disrupt ABCA4 protein function with a positive predictive value of 95%. For these reasons, this variant has been classified as Pathogenic.

Blueprint Genetics
Classification: Pathogenic for ABCA4-related disorders. Last evaluated: 2021-08-03. Review status: criteria provided, single submitter. Criteria: ACMG Guidelines, 2015. Collection method: clinical testing. Allele origin: germline. Affected: yes. Observed: 3 variant alleles.

Centre for Mendelian Genomics, University Medical Centre Ljubljana
Classification: Pathogenic for Age related macular degeneration 2. Last evaluated: 2019-02-27. Review status: criteria provided, single submitter. Criteria: ACMG Guidelines, 2015. Collection method: clinical testing. Allele origin: unknown. Affected: yes.
Comment: This variant was classified as: Pathogenic. The following ACMG criteria were applied in classifying this variant: PS1,PM1,PM2,PP2,PP3,PP5.

Centre for Mendelian Genomics, University Medical Centre Ljubljana
Classification: Likely pathogenic for Central scotoma; Macular degeneration; Retinal atrophy; Visual impairment. Last evaluated: 2016-06-12. Review status: no assertion criteria provided. Collection method: clinical testing. Allele origin: unknown. Affected: yes. Not counted in ClinVar's aggregate classification.

Literature cited by the submitters: PubMed 10958763 (cited by Labcorp Genetics (formerly Invitae), Labcorp); PubMed 11702214 (cited by Labcorp Genetics (formerly Invitae), Labcorp); PubMed 15192030 (cited by Labcorp Genetics (formerly Invitae), Labcorp).